The following is an entry in ClinVar:

ClinVar aggregate classification (germline): Benign/Likely benign. Review status: criteria provided, multiple submitters, no conflicts (2 of 4 stars). 4 submissions from 4 submitters: Benign (3); Likely benign (1). Last evaluated 2025-12-24.

Conditions:
SALL2-related disorder. Also called: SALL2-related condition.

Allele frequency attached by ClinVar (database versions not stated): 1000 Genomes Project 0.00679; gnomAD exomes 0.00686; ExAC 0.00744; TOPMed 0.00444; ESP Exome Variant Server 0.00449; gnomAD 0.00499 and 0.00538; 1000 Genomes Project 30x 0.00625.
gnomAD v4.1: 11,183 of 1,612,312 alleles (0.69%); highest among the groups gnomAD compares: East Asian, 1.9%; 61 homozygotes.

Submissions (4):

Labcorp Genetics (formerly Invitae), Labcorp
Classification: Benign. Last evaluated: 2025-12-24. Review status: criteria provided, single submitter. Criteria: Invitae Variant Classification Sherloc (09022015). Collection method: clinical testing. Allele origin: germline.

Genomic Medicine Center of Excellence, King Faisal Specialist Hospital and Research Centre
Classification: Likely benign. Last evaluated: 2025-08-18. Review status: criteria provided, single submitter. Criteria: ACMG Guidelines, 2015. Collection method: clinical testing. Allele origin: germline.

PreventionGenetics, part of Exact Sciences
Classification: Benign for SALL2-related condition. Last evaluated: 2025-07-31. Review status: criteria provided, single submitter. Criteria: ACMG Guidelines, 2015. Collection method: clinical testing. Allele origin: germline.
Comment: This variant is classified as benign based on ACMG/AMP sequence variant interpretation guidelines (Richards et al. 2015 PMID: 25741868, with internal and published modifications).

Breakthrough Genomics
Classification: Benign. Review status: criteria provided, single submitter. Criteria: ACMG Guidelines, 2015. Collection method: not provided. Allele origin: germline. Inheritance: Autosomal recessive inheritance. Affected: yes.

NM_001364564.1(SALL2):c.497C>T (p.Pro166Leu)

Gene: SALL2 (spalt like transcription factor 2; minus strand). Cytogenetic location: 14q11.2.
Variant type: single nucleotide variant.
Coding change: c.497C>T on transcript NM_001364564.1 (MANE Select); coding-DNA position 497, C replaced by T.
Protein change: p.Pro166Leu; replaces proline 166 with leucine.
Molecular consequence: missense variant. On other transcripts: intron variant (2).
Genome position (GRCh38, 1-based): chr14:21,525,225, G>A on the plus strand (C>T on the coding strand, the complement: SALL2 is on the minus strand). VCF-style: chr14-21525225-G-A. GRCh37 (hg19) VCF-style: chr14-21993359-G-A.
Other names: c.503C>T, p.Pro168Leu (NM_005407.3); c.391+112C>T (NM_001291446.2); c.385+112C>T (NM_001291447.2); short protein forms P168L, P166L.
Identifiers: ClinVar variation 779356 (VCV000779356.12), dbSNP rs144885457, ClinGen allele CA7093835.